The following is an entry in ClinVar:

NM_001145860.2(POP1):c.409C>T (p.Arg137Trp)

Gene: POP1 (POP1 ribonuclease P/MRP subunit; plus strand). Cytogenetic location: 8q22.2.
Variant type: single nucleotide variant.
Coding change: c.409C>T on transcript NM_001145860.2 (MANE Select); coding-DNA position 409, C replaced by T.
Protein change: p.Arg137Trp; replaces arginine 137 with tryptophan.
Molecular consequence: missense variant.
Genome position (GRCh38, 1-based): chr8:98,128,463, C>T. VCF-style: chr8-98128463-C-T. GRCh37 (hg19) VCF-style: chr8-99140691-C-T.
Other names: c.409C>T, p.Arg137Trp (NM_001145861.2, NM_015029.3); short protein forms R137W.
Identifiers: ClinVar variation 1938532 (VCV001938532.5), dbSNP rs748288309, ClinGen allele CA4820303.

ClinVar aggregate classification (germline): Uncertain significance (1 of 4 stars; one submission).

Allele frequency attached by ClinVar (database versions not stated): ExAC 0.00001; gnomAD 0.00001; TOPMed 0.00001; gnomAD exomes 0.00003.
gnomAD v4.1: 48 of 1,613,912 alleles (0.003%); highest among the groups gnomAD compares: Middle Eastern, 0.033%; no homozygotes.

Submission:

Labcorp Genetics (formerly Invitae), Labcorp
Classification: Uncertain significance. Last evaluated: 2022-07-15. Review status: criteria provided, single submitter. Criteria: Invitae Variant Classification Sherloc (09022015). Collection method: clinical testing. Allele origin: germline.
Comment: This sequence change replaces arginine, which is basic and polar, with tryptophan, which is neutral and slightly polar, at codon 137 of the POP1 protein (p.Arg137Trp). This variant is present in population databases (rs748288309, gnomAD 0.006%). This variant has not been reported in the literature in individuals affected with POP1-related conditions. Algorithms developed to predict the effect of missense changes on protein structure and function (SIFT, PolyPhen-2, Align-GVGD) all suggest that this variant is likely to be disruptive. In summary, the available evidence is currently insufficient to determine the role of this variant in disease. Therefore, it has been classified as a Variant of Uncertain Significance.